The following is an entry in ClinVar:

NM_005732.4(RAD50):c.1561C>T (p.Leu521Phe)

Gene: RAD50 (RAD50 double strand break repair protein; plus strand). Cytogenetic location: 5q31.1.
Variant type: single nucleotide variant.
Coding change: c.1561C>T on transcript NM_005732.4 (MANE Select); coding-DNA position 1561, C replaced by T.
Protein change: p.Leu521Phe; replaces leucine 521 with phenylalanine.
Molecular consequence: missense variant.
Genome position (GRCh38, 1-based): chr5:132,591,332, C>T. VCF-style: chr5-132591332-C-T. GRCh37 (hg19) VCF-style: chr5-131927024-C-T.
Other names: short protein forms L521F.
Identifiers: ClinVar variation 482157 (VCV000482157.13), dbSNP rs1554098415, ClinGen allele CA360945903.
Genomic context (GRCh38, chr5:132,591,332, plus strand): 5'-AAAATGGAAGTAATAAGTCTCCAAAATGAAAAAGCAGACTTAGACAGGACCCTGCGTAAA[C>T]TTGACCAGGAGATGGAGCAGTTAAACCATCATACAACAACACGTACCCAAATGGAGATGC-3'
Protein context (NP_005723.2, residues 511-531): KADLDRTLRK[Leu521Phe]DQEMEQLNHH

ClinVar aggregate classification (germline): Uncertain significance. Review status: criteria provided, multiple submitters, no conflicts (2 of 4 stars). 2 submissions from 2 submitters: Uncertain significance (2). Last evaluated 2024-04-22.

Conditions:
Hereditary cancer-predisposing syndrome. Also called: Neoplastic Syndromes, Hereditary; Tumor predisposition; Hereditary Cancer Syndrome; Hereditary neoplastic syndrome. Identifiers: Orphanet 140162, MedGen C0027672, MeSH D009386, MONDO:0015356.

Submissions (2):

Labcorp Genetics (formerly Invitae), Labcorp
Classification: Uncertain significance for Hereditary cancer-predisposing syndrome. Last evaluated: 2024-04-22. Review status: criteria provided, single submitter. Criteria: Invitae Variant Classification Sherloc (09022015). Collection method: clinical testing. Allele origin: germline.
Comment: This sequence change replaces leucine, which is neutral and non-polar, with phenylalanine, which is neutral and non-polar, at codon 521 of the RAD50 protein (p.Leu521Phe). This variant is not present in population databases (gnomAD no frequency). This variant has not been reported in the literature in individuals affected with RAD50-related conditions. ClinVar contains an entry for this variant (Variation ID: 482157). Advanced modeling of protein sequence and biophysical properties (such as structural, functional, and spatial information, amino acid conservation, physicochemical variation, residue mobility, and thermodynamic stability) performed at Invitae indicates that this missense variant is expected to disrupt RAD50 protein function with a positive predictive value of 80%. In summary, the available evidence is currently insufficient to determine the role of this variant in disease. Therefore, it has been classified as a Variant of Uncertain Significance.

Ambry Genetics
Classification: Uncertain significance for Hereditary cancer-predisposing syndrome. Last evaluated: 2017-08-28. Review status: criteria provided, single submitter. Criteria: Ambry Variant Classification Scheme 2023. Collection method: clinical testing. Allele origin: germline.
Comment: The p.L521F variant (also known as c.1561C>T), located in coding exon 10 of the RAD50 gene, results from a C to T substitution at nucleotide position 1561. The leucine at codon 521 is replaced by phenylalanine, an amino acid with highly similar properties. This amino acid position is highly conserved in available vertebrate species. In addition, the in silico prediction for this alteration is inconclusive. Since supporting evidence is limited at this time, the clinical significance of this alteration remains unclear.